The following is an entry in ClinVar:

NM_000051.4(ATM):c.7311_7314del (p.Arg2436_Tyr2437insTer)

Genes: ATM (ATM serine/threonine kinase; plus strand), C11orf65 (chromosome 11 open reading frame 65; minus strand). Cytogenetic location: 11q22.3.
Variant type: Deletion.
Coding change: c.7311_7314del on transcript NM_000051.4 (MANE Select); coding-DNA positions 7311 to 7314, 4 bases deleted (CACA; older notation c.7311_7314delCACA).
Protein change: p.Arg2436_Tyr2437insTer.
Molecular consequence: nonsense. On other transcripts: intron variant (2).
Genome position (GRCh38, 1-based): chr11:108,330,217-108,330,220, CACA deleted; deleting any 4 consecutive bases within chr11:108,330,216-108,330,220 gives the same sequence; the c. name uses the placement nearest the transcript's 3' end. VCF-style (leftmost placement, unchanged base first): chr11-108330215-TACAC-T. GRCh37 (hg19) VCF-style: chr11-108200942-TACAC-T.
Other names: c.7311_7314del, p.Arg2436_Tyr2437insTer (NM_001351834.2); c.641-21148_641-21145del (NM_001330368.2); c.*38+5001_*38+5004del (NM_001351110.2).
Identifiers: ClinVar variation 1383209 (VCV001383209.10), dbSNP rs1591159614, ClinGen allele CA2573146670.

ClinVar aggregate classification (germline): Pathogenic. Review status: criteria provided, multiple submitters, no conflicts (2 of 4 stars). 3 submissions from 3 submitters: Pathogenic (3). Last evaluated 2024-01-31.

Conditions:
Hereditary cancer-predisposing syndrome. Also called: Tumor predisposition; Neoplastic Syndromes, Hereditary; Hereditary Cancer Syndrome; Hereditary neoplastic syndrome. Identifiers: Orphanet 140162, MedGen C0027672, MeSH D009386, MONDO:0015356.
Ataxia-telangiectasia syndrome (AT). Also called: Ataxia-telangiectasia; LOUIS-BAR SYNDROME; Ataxia-telangiectasia, complementation group D; AT, COMPLEMENTATION GROUP C; ATAXIA-TELANGIECTASIA, COMPLEMENTATION GROUP A; ATAXIA-TELANGIECTASIA, FRESNO VARIANT. Identifiers: Orphanet 100, MedGen C0004135, MONDO:0008840, OMIM 208900.
Familial cancer of breast. Also called: BREAST CANCER, FAMILIAL; Hereditary breast cancer; hereditary breast carcinoma. Identifiers: Orphanet 227535, MedGen C0346153, MONDO:0016419, OMIM 114480. Disease mechanism: loss of function.

Submissions (3):

Myriad Genetics, Inc.
Classification: Pathogenic for Familial cancer of breast. Last evaluated: 2024-01-31. Review status: criteria provided, single submitter. Criteria: Myriad Autosomal Dominant, Autosomal Recessive and X-Linked Classification Criteria (2023). Collection method: clinical testing. Allele origin: unknown.
Comment: This variant is considered pathogenic. This variant creates a termination codon and is predicted to result in premature protein truncation.

Ambry Genetics
Classification: Pathogenic for Hereditary cancer-predisposing syndrome. Last evaluated: 2022-12-28. Review status: criteria provided, single submitter. Criteria: Ambry Variant Classification Scheme 2023. Collection method: clinical testing. Allele origin: germline.
Comment: The c.7311_7314delCACA pathogenic mutation, located in coding exon 49 of the ATM gene, results from a deletion of 4 nucleotides at nucleotide positions 7311 to 7314, causing a translational frameshift with a predicted alternate stop codon (p.Y2437*). This variant is considered to be rare based on population cohorts in the Genome Aggregation Database (gnomAD). This alteration is expected to result in loss of function by premature protein truncation or nonsense-mediated mRNA decay. As such, this alteration is interpreted as a disease-causing mutation.

Labcorp Genetics (formerly Invitae), Labcorp
Classification: Pathogenic for Ataxia-telangiectasia syndrome. Last evaluated: 2022-09-23. Review status: criteria provided, single submitter. Criteria: Invitae Variant Classification Sherloc (09022015). Collection method: clinical testing. Allele origin: germline.
Comment: For these reasons, this variant has been classified as Pathogenic. Studies have shown that this premature translational stop signal is associated with altered splicing resulting in unknown protein product impact (Invitae). ClinVar contains an entry for this variant (Variation ID: 1383209). This premature translational stop signal has been observed in individual(s) with breast cancer (PMID: 16832357). This variant is not present in population databases (gnomAD no frequency). This sequence change creates a premature translational stop signal (p.Tyr2437*) in the ATM gene. It is expected to result in an absent or disrupted protein product. Loss-of-function variants in ATM are known to be pathogenic (PMID: 23807571, 25614872).

Literature cited by the submitters: PubMed 16832357 (cited by Labcorp Genetics (formerly Invitae), Labcorp); PubMed 23807571 (cited by Labcorp Genetics (formerly Invitae), Labcorp); PubMed 25614872 (cited by Labcorp Genetics (formerly Invitae), Labcorp).